The following is an entry in ClinVar:

ClinVar aggregate classification (germline): Uncertain significance. Review status: criteria provided, multiple submitters, no conflicts (2 of 4 stars). 2 submissions from 2 submitters: Uncertain significance (2). Last evaluated 2024-04-24.

Conditions:
Gastrointestinal stromal tumor. Also called: Gastrointestinal stromal tumor, somatic; Gastrointestinal stroma tumor. Identifiers: Orphanet 44890, MedGen C0238198, MeSH D046152, MONDO:0011719, OMIM 606764, HP:0100723.
Hereditary cancer-predisposing syndrome. Also called: Hereditary Cancer Syndrome; Tumor predisposition; Neoplastic Syndromes, Hereditary; Hereditary neoplastic syndrome. Identifiers: Orphanet 140162, MedGen C0027672, MeSH D009386, MONDO:0015356.

Submissions (2):

Ambry Genetics
Classification: Uncertain significance for Hereditary cancer-predisposing syndrome. Last evaluated: 2024-04-24. Review status: criteria provided, single submitter. Criteria: Ambry Variant Classification Scheme 2023. Collection method: clinical testing. Allele origin: germline.
Comment: The p.T92A variant (also known as c.274A>G), located in coding exon 2 of the KIT gene, results from an A to G substitution at nucleotide position 274. The threonine at codon 92 is replaced by alanine, an amino acid with similar properties. This amino acid position is conserved. In addition, this alteration is predicted to be tolerated by in silico analysis. Based on the available evidence, the clinical significance of this variant remains unclear.

Labcorp Genetics (formerly Invitae), Labcorp
Classification: Uncertain significance for Gastrointestinal stromal tumor. Last evaluated: 2020-09-17. Review status: criteria provided, single submitter. Criteria: Invitae Variant Classification Sherloc (09022015). Collection method: clinical testing. Allele origin: germline.
Comment: In summary, the available evidence is currently insufficient to determine the role of this variant in disease. Therefore, it has been classified as a Variant of Uncertain Significance. Algorithms developed to predict the effect of missense changes on protein structure and function are either unavailable or do not agree on the potential impact of this missense change (SIFT: "Tolerated"; PolyPhen-2: "Possibly Damaging"; Align-GVGD: "Class C0"). This variant has not been reported in the literature in individuals with KIT-related conditions. ClinVar contains an entry for this variant (Variation ID: 582695). This variant is not present in population databases (ExAC no frequency). This sequence change replaces threonine with alanine at codon 92 of the KIT protein (p.Thr92Ala). The threonine residue is moderately conserved and there is a small physicochemical difference between threonine and alanine.

NM_000222.3(KIT):c.274A>G (p.Thr92Ala)

Gene: KIT (KIT proto-oncogene, receptor tyrosine kinase; plus strand). Cytogenetic location: 4q12.
Variant type: single nucleotide variant.
Coding change: c.274A>G on transcript NM_000222.3 (MANE Select); coding-DNA position 274, A replaced by G.
Protein change: p.Thr92Ala; replaces threonine 92 with alanine.
Molecular consequence: missense variant.
Genome position (GRCh38, 1-based): chr4:54,695,718, A>G. VCF-style: chr4-54695718-A-G. GRCh37 (hg19) VCF-style: chr4-55561884-A-G.
Other names: c.274A>G, p.Thr92Ala (NM_001093772.2, NM_001385284.1, NM_001385285.1 and 4 more transcripts); short protein forms T92A.
Identifiers: ClinVar variation 582695 (VCV000582695.13), dbSNP rs1560393612, ClinGen allele CA356897222.